The following is an entry in ClinVar:

NM_001244008.2(KIF1A):c.4905G>C (p.Glu1635Asp)

Gene: KIF1A (kinesin family member 1A; minus strand). Cytogenetic location: 2q37.3.
Variant type: single nucleotide variant.
Coding change: c.4905G>C on transcript NM_001244008.2 (MANE Select); coding-DNA position 4905, G replaced by C.
Protein change: p.Glu1635Asp; replaces glutamic acid 1635 with aspartic acid.
Molecular consequence: missense variant.
Genome position (GRCh38, 1-based): chr2:240,719,890, C>G on the plus strand (G>C on the coding strand, the complement: KIF1A is on the minus strand). VCF-style: chr2-240719890-C-G. GRCh37 (hg19) VCF-style: chr2-241659307-C-G.
Other names: c.4629G>C, p.Glu1543Asp (NM_001320705.2, NM_001379649.1); c.4656G>C, p.Glu1552Asp (NM_001330289.2); c.4704G>C, p.Glu1568Asp (NM_001330290.2, NM_001379648.1); c.4980G>C, p.Glu1660Asp (NM_001379631.1); c.4881G>C, p.Glu1627Asp (NM_001379632.1); c.4878G>C, p.Glu1626Asp (NM_001379633.1, NM_001379645.1); c.4731G>C, p.Glu1577Asp (NM_001379634.1); c.4728G>C, p.Glu1576Asp (NM_001379635.1, NM_001379646.1); and 8 more; short protein forms E1543D, E1552D, E1626D, E1660D, E1533D, E1542D, E1559D, E1576D.
Identifiers: ClinVar variation 1382242 (VCV001382242.7), dbSNP rs2125575383, ClinGen allele CA351300885.

ClinVar aggregate classification (germline): Conflicting classifications of pathogenicity. Review status: criteria provided, conflicting classifications (1 of 4 stars). 2 submissions from 2 submitters: Uncertain significance (1); Likely benign (1). Last evaluated 2025-12-31.

Conditions:
Inborn genetic diseases. Identifiers: MedGen C0950123, MeSH D030342.
Hereditary spastic paraplegia 30. Identifiers: Orphanet 101010, MedGen C5235139, MONDO:0012476.
Neuropathy, hereditary sensory, type 2C. Also called: Hereditary sensory and autonomic neuropathy type IIC; KIF1A-Related HSAN2 (HSAN2C). Identifiers: Orphanet 970, MedGen C3280168, MONDO:0013634, OMIM 614213.
Intellectual disability, autosomal dominant 9 (NESCAVS). Also called: NESCAV SYNDROME; KIF1A-Related Neurodevelopmental Disorder. Identifiers: Orphanet 662367, MedGen C5393830, MONDO:0013656, OMIM 614255.

Submissions (2):

Ambry Genetics
Classification: Likely benign for Inborn genetic diseases. Last evaluated: 2025-12-31. Review status: criteria provided, single submitter. Criteria: Ambry Variant Classification Scheme 2023. Collection method: clinical testing. Allele origin: germline.

Labcorp Genetics (formerly Invitae), Labcorp
Classification: Uncertain significance for Hereditary spastic paraplegia 30; Neuropathy, hereditary sensory, type 2C; Intellectual disability, autosomal dominant 9. Last evaluated: 2023-12-06. Review status: criteria provided, single submitter. Criteria: Invitae Variant Classification Sherloc (09022015). Collection method: clinical testing. Allele origin: germline.
Comment: This sequence change replaces glutamic acid, which is acidic and polar, with aspartic acid, which is acidic and polar, at codon 1534 of the KIF1A protein (p.Glu1534Asp). This variant is not present in population databases (gnomAD no frequency). This variant has not been reported in the literature in individuals affected with KIF1A-related conditions. ClinVar contains an entry for this variant (Variation ID: 1382242). Advanced modeling of protein sequence and biophysical properties (such as structural, functional, and spatial information, amino acid conservation, physicochemical variation, residue mobility, and thermodynamic stability) performed at Invitae indicates that this missense variant is not expected to disrupt KIF1A protein function with a negative predictive value of 95%. In summary, the available evidence is currently insufficient to determine the role of this variant in disease. Therefore, it has been classified as a Variant of Uncertain Significance.